The following is an entry in ClinVar:

NM_001177316.2(SLC34A3):c.1168C>T (p.Gln390Ter)

Gene: SLC34A3 (solute carrier family 34 member 3; plus strand). Cytogenetic location: 9q34.3.
Variant type: single nucleotide variant.
Coding change: c.1168C>T on transcript NM_001177316.2 (MANE Select); coding-DNA position 1168, C replaced by T.
Protein change: p.Gln390Ter; replaces glutamine 390 with a stop codon.
Molecular consequence: nonsense.
Genome position (GRCh38, 1-based): chr9:137,234,490, C>T. VCF-style: chr9-137234490-C-T. GRCh37 (hg19) VCF-style: chr9-140128942-C-T.
Other names: c.1168C>T, p.Gln390Ter (NM_001177317.2, NM_080877.3); short protein forms Q390*.
Identifiers: ClinVar variation 1459243 (VCV001459243.6), dbSNP rs2131417221, ClinGen allele CA375737463.

ClinVar aggregate classification (germline): Pathogenic (1 of 4 stars; one submission).

Submission:

Labcorp Genetics (formerly Invitae), Labcorp
Classification: Pathogenic. Last evaluated: 2024-02-24. Review status: criteria provided, single submitter. Criteria: Invitae Variant Classification Sherloc (09022015). Collection method: clinical testing. Allele origin: germline.
Comment: This sequence change creates a premature translational stop signal (p.Gln390*) in the SLC34A3 gene. It is expected to result in an absent or disrupted protein product. Loss-of-function variants in SLC34A3 are known to be pathogenic (PMID: 16358214, 16358215, 22159077). This variant is not present in population databases (gnomAD no frequency). This variant has not been reported in the literature in individuals affected with SLC34A3-related conditions. ClinVar contains an entry for this variant (Variation ID: 1459243). For these reasons, this variant has been classified as Pathogenic.

Literature cited by the submitters: PubMed 16358214; PubMed 16358215; PubMed 22159077.